The following is an entry in ClinVar:

NM_001042492.3(NF1):c.3475_3476insCTCACCTATGGA (p.Asp1158_Ser1159insThrHisLeuTrp)

Gene: NF1 (neurofibromin 1; plus strand). Cytogenetic location: 17q11.2.
Variant type: Insertion.
Coding change: c.3475_3476insCTCACCTATGGA on transcript NM_001042492.3 (MANE Select); coding-DNA positions 3475 to 3476, CTCACCTATGGA inserted.
Protein change: p.Asp1158_Ser1159insThrHisLeuTrp.
Molecular consequence: inframe insertion. On other transcripts: inframe indel (1).
Genome position: GRCh38 VCF-style: chr17-31232859-C-CACTCACCTATGG. GRCh37 (hg19) VCF-style: chr17-29559877-C-CACTCACCTATGG.
Other names: c.3475_3476insCTCACCTATGGA, p.Asp1158_Ser1159insThrHisLeuTrp (NM_000267.4).
Identifiers: ClinVar variation 2761040 (VCV002761040.3), dbSNP rs2508233454, ClinGen allele CA2697559795.

ClinVar aggregate classification (germline): Uncertain significance (1 of 4 stars; one submission).

Conditions:
Neurofibromatosis, type 1 (NF1). Also called: VON RECKLINGHAUSEN DISEASE; NEUROFIBROMATOSIS, TYPE I, SOMATIC; Peripheral type neurofibromatosis; Neurofibromatosis, type I. Identifiers: Orphanet 636, MedGen C0027831, MONDO:0018975, OMIM 162200. Disease mechanism: loss of function.

Submission:

Labcorp Genetics (formerly Invitae), Labcorp
Classification: Uncertain significance for Neurofibromatosis, type 1. Last evaluated: 2023-09-18. Review status: criteria provided, single submitter. Criteria: Invitae Variant Classification Sherloc (09022015). Collection method: clinical testing. Allele origin: germline.
Comment: In summary, the available evidence is currently insufficient to determine the role of this variant in disease. Therefore, it has been classified as a Variant of Uncertain Significance. Experimental studies and prediction algorithms are not available or were not evaluated, and the functional significance of this variant is currently unknown. This variant has not been reported in the literature in individuals affected with NF1-related conditions. This variant is not present in population databases (gnomAD no frequency). This variant, c.3475_3476insCTCACCTATGGA, results in the insertion of 4 amino acid(s) of the NF1 protein (p.Asp1158_Ser1159insThrHisLeuTrp), but otherwise preserves the integrity of the reading frame.